The following is an entry in ClinVar:

ClinVar aggregate classification (germline): Uncertain significance (1 of 4 stars; one submission).

Conditions:
Congenital myotonia, autosomal dominant form (THD). Also called: THOMSEN DISEASE; Myotonia congenita autosomal dominant. Identifiers: Orphanet 614, MedGen C2936781, MONDO:0008055, OMIM 160800.
Congenital myotonia, autosomal recessive form. Also called: BECKER DISEASE; Becker Generalized Myotonia; myotonia congenita, autosomal recessive. Identifiers: Orphanet 614, MedGen C0751360, MONDO:0009715, OMIM 255700.

Submission:

Labcorp Genetics (formerly Invitae), Labcorp
Classification: Uncertain significance for Congenital myotonia, autosomal recessive form; Congenital myotonia, autosomal dominant form. Last evaluated: 2022-06-27. Review status: criteria provided, single submitter. Criteria: Invitae Variant Classification Sherloc (09022015). Collection method: clinical testing. Allele origin: germline.
Comment: In summary, the available evidence is currently insufficient to determine the role of this variant in disease. Therefore, it has been classified as a Variant of Uncertain Significance. Algorithms developed to predict the effect of missense changes on protein structure and function are either unavailable or do not agree on the potential impact of this missense change (SIFT: "Tolerated"; PolyPhen-2: "Possibly Damaging"; Align-GVGD: "Class C0"). ClinVar contains an entry for this variant (Variation ID: 998666). This variant has not been reported in the literature in individuals affected with CLCN1-related conditions. This variant is not present in population databases (gnomAD no frequency). This sequence change replaces leucine, which is neutral and non-polar, with isoleucine, which is neutral and non-polar, at codon 660 of the CLCN1 protein (p.Leu660Ile).

NM_000083.3(CLCN1):c.1978C>A (p.Leu660Ile)

Genes: CLCN1 (chloride voltage-gated channel 1; plus strand), LOC123956257 (Sharpr-MPRA regulatory region 4117; plus strand). Cytogenetic location: 7q34.
Variant type: single nucleotide variant.
Coding change: c.1978C>A on transcript NM_000083.3 (MANE Select); coding-DNA position 1978, C replaced by A.
Protein change: p.Leu660Ile; replaces leucine 660 with isoleucine.
Molecular consequence: missense variant. On other transcripts: non-coding transcript variant (1).
Genome position (GRCh38, 1-based): chr7:143,345,568, C>A. VCF-style: chr7-143345568-C-A. GRCh37 (hg19) VCF-style: chr7-143042661-C-A.
Other names: short protein forms L660I.
Identifiers: ClinVar variation 998666 (VCV000998666.10), dbSNP rs1803210699, ClinGen allele CA369649606.